The following is an entry in ClinVar:

ClinVar aggregate classification (germline): Conflicting classifications of pathogenicity. Review status: criteria provided, conflicting classifications (1 of 4 stars). 2 submissions from 2 submitters: Uncertain significance (1); Likely benign (1). Last evaluated 2025-09-02.

Conditions:
SUDDEN INFANT DEATH SYNDROME (SIDS). Also called: Sudden Infant Death. Identifiers: MedGen C0038644, MeSH D013398, OMIM 272120.
Early-infantile DEE. Also called: Early infantile epileptic encephalopathy; Ohtahara syndrome; Early infantile epileptic encephalopathy with suppression bursts. Identifiers: Orphanet 1934, MedGen C0393706, MONDO:0800491.

gnomAD v4.1: 2 of 1,606,454 alleles (0.00012%); highest among the groups gnomAD compares: Non-Finnish European, 0.00017%; no homozygotes.

Submissions (2):

Labcorp Genetics (formerly Invitae), Labcorp
Classification: Likely benign for Early-infantile DEE. Last evaluated: 2025-09-02. Review status: criteria provided, single submitter. Criteria: Invitae Variant Classification Sherloc (09022015). Collection method: clinical testing. Allele origin: germline.

Robert's Program, Boston Children's Hospital
Classification: Uncertain significance for SUDDEN INFANT DEATH SYNDROME. Last evaluated: 2021-10-01. Review status: criteria provided, single submitter. Criteria: ACMG Guidelines, 2015. Collection method: research. Allele origin: germline. Affected: yes.
Comment: We classify this variant as a variant of uncertain significance using ACMG/AMP criteria. As this variant has functional evidence supporting pathogenicty, we suspect this variant is favoring pathogenic.

NM_001165963.4(SCN1A):c.3886T>A (p.Leu1296Met)

Genes: SCN1A (sodium voltage-gated channel alpha subunit 1; minus strand), LOC102724058 (uncharacterized LOC102724058; plus strand). Cytogenetic location: 2q24.3.
Variant type: single nucleotide variant.
Coding change: c.3886T>A on transcript NM_001165963.4 (MANE Select); coding-DNA position 3886, T replaced by A.
Protein change: p.Leu1296Met; replaces leucine 1296 with methionine.
Molecular consequence: missense variant. On other transcripts: non-coding transcript variant (1).
Genome position (GRCh38, 1-based): chr2:166,009,835, A>T on the plus strand (T>A on the coding strand, the complement: SCN1A is on the minus strand). VCF-style: chr2-166009835-A-T. GRCh37 (hg19) VCF-style: chr2-166866345-A-T.
Other names: c.3802T>A, p.Leu1268Met (NM_001165964.3, NM_001353957.2, NM_001353958.2); c.3886T>A, p.Leu1296Met (NM_001202435.3, NM_001353948.2); c.3853T>A, p.Leu1285Met (NM_001353949.2, NM_001353950.2, NM_001353951.2 and 2 more transcripts); c.3850T>A, p.Leu1284Met (NM_001353954.2, NM_001353955.2); c.3799T>A, p.Leu1267Met (NM_001353960.2); c.1444T>A, p.Leu482Met (NM_001353961.2); short protein forms L1296M, L1285M, L1268M, L1284M, L1267M, L482M.
Identifiers: ClinVar variation 530477 (VCV000530477.13), dbSNP rs375896308, ClinGen allele CA349053526.